The following is an entry in ClinVar:

ClinVar aggregate classification (germline): Pathogenic/Likely pathogenic. Review status: criteria provided, multiple submitters, no conflicts (2 of 4 stars). 3 submissions from 3 submitters: Pathogenic (2); Likely pathogenic (1). Last evaluated 2025-02-18.

Conditions:
Hereditary cancer-predisposing syndrome. Also called: Hereditary Cancer Syndrome; Neoplastic Syndromes, Hereditary; Tumor predisposition; Hereditary neoplastic syndrome. Identifiers: Orphanet 140162, MedGen C0027672, MeSH D009386, MONDO:0015356.
Breast-ovarian cancer, familial, susceptibility to, 2 (BROVCA2). Also called: BRCA2 Hereditary Breast and Ovarian Cancer. Identifiers: Orphanet 145, MedGen C2675520, MONDO:0012933, OMIM 612555. Disease mechanism: loss of function.

Submissions (3):

Myriad Genetics, Inc.
Classification: Pathogenic for Breast-ovarian cancer, familial, susceptibility to, 2. Last evaluated: 2025-02-18. Review status: criteria provided, single submitter. Criteria: Myriad Autosomal Dominant, Autosomal Recessive and X-Linked Classification Criteria (2023). Collection method: clinical testing. Allele origin: unknown.
Comment: This variant is considered pathogenic. This variant creates a frameshift predicted to result in premature protein truncation.

Ambry Genetics
Classification: Pathogenic for Hereditary cancer-predisposing syndrome. Last evaluated: 2023-12-26. Review status: criteria provided, single submitter. Criteria: Ambry Variant Classification Scheme 2023. Collection method: clinical testing. Allele origin: germline.
Comment: The c.2592delA pathogenic mutation, located in coding exon 10 of the BRCA2 gene, results from a deletion of one nucleotide at nucleotide position 2592, causing a translational frameshift with a predicted alternate stop codon (p.E865Kfs*9). This variant was reported in 1/60,466 breast cancer cases and in 0/53,461 controls (Dorling et al. N Engl J Med 2021 02;384:428-439). This alteration is expected to result in loss of function by premature protein truncation or nonsense-mediated mRNA decay. As such, this alteration is interpreted as a disease-causing mutation.

Molecular Diagnostics Laboratory, M Health Fairview: University of Minnesota
Classification: Likely pathogenic for Breast-ovarian cancer, familial, susceptibility to, 2. Last evaluated: 2021-10-07. Review status: criteria provided, single submitter. Criteria: ACMG Guidelines, 2015. Collection method: clinical testing. Allele origin: germline. Affected: yes.

Literature cited by the submitters: PubMed 33471991 (cited by Ambry Genetics).

NM_000059.4(BRCA2):c.2592del (p.Glu865fs)

Gene: BRCA2 (BRCA2 DNA repair associated; plus strand). Cytogenetic location: 13q13.1.
Variant type: Deletion.
Coding change: c.2592del on transcript NM_000059.4 (MANE Select); coding-DNA position 2592, one base deleted (A; older notation c.2592delA).
Protein change: p.Glu865fs; shifts the reading frame from glutamic acid 865.
Molecular consequence: frameshift variant.
Genome position (GRCh38, 1-based): chr13:32,336,947, A deleted; the last of 2 consecutive A bases (chr13:32,336,946-32,336,947); deleting either gives the same sequence. VCF-style (leftmost placement, unchanged base first): chr13-32336945-CA-C. GRCh37 (hg19) VCF-style: chr13-32911082-CA-C.
Other names: p.Glu865Lysfs*9; c.2592delA (NM_000059.3); short protein forms E865fs.
Identifiers: ClinVar variation 1339261 (VCV001339261.3), dbSNP rs2137487979, ClinGen allele CA2573053803.